The following is an entry in ClinVar:

ClinVar aggregate classification (germline): Uncertain significance (1 of 4 stars; one submission).

gnomAD v4.1: 6 of 1,614,002 alleles (0.00037%); highest among the groups gnomAD compares: Non-Finnish European, 0.00042%; no homozygotes.

Submission:

Labcorp Genetics (formerly Invitae), Labcorp
Classification: Uncertain significance. Last evaluated: 2021-10-14. Review status: criteria provided, single submitter. Criteria: Invitae Variant Classification Sherloc (09022015). Collection method: clinical testing. Allele origin: germline.
Comment: This sequence change replaces arginine with leucine at codon 722 of the ERCC2 protein (p.Arg722Leu). The arginine residue is highly conserved and there is a moderate physicochemical difference between arginine and leucine. This variant is not present in population databases (ExAC no frequency). This variant has not been reported in the literature in individuals affected with ERCC2-related conditions. Algorithms developed to predict the effect of missense changes on protein structure and function are either unavailable or do not agree on the potential impact of this missense change (SIFT: "Deleterious"; PolyPhen-2: "Possibly Damaging"; Align-GVGD: "Class C0"). This variant disrupts the p.Arg722 amino acid residue in ERCC2. Other variant(s) that disrupt this residue have been determined to be pathogenic (PMID: 31282071, 31803976). This suggests that this residue is clinically significant, and that variants that disrupt this residue are likely to be disease-causing. In summary, the available evidence is currently insufficient to determine the role of this variant in disease. Therefore, it has been classified as a Variant of Uncertain Significance.

Literature cited by the submitters: PubMed 31282071; PubMed 31803976.

NM_000400.4(ERCC2):c.2165G>T (p.Arg722Leu)

Gene: ERCC2 (ERCC excision repair 2, TFIIH core complex helicase subunit; minus strand). Cytogenetic location: 19q13.32.
Variant type: single nucleotide variant.
Coding change: c.2165G>T on transcript NM_000400.4 (MANE Select); coding-DNA position 2165, G replaced by T.
Protein change: p.Arg722Leu; replaces arginine 722 with leucine.
Molecular consequence: missense variant.
Genome position (GRCh38, 1-based): chr19:45,352,234, C>A on the plus strand (G>T on the coding strand, the complement: ERCC2 is on the minus strand). VCF-style: chr19-45352234-C-A. GRCh37 (hg19) VCF-style: chr19-45855492-C-A.
Other names: short protein forms R722L.
Identifiers: ClinVar variation 1354109 (VCV001354109.5), dbSNP rs138569838, ClinGen allele CA406360995.